The following is an entry in ClinVar:

NM_002906.4(RDX):c.1076_1079del (p.Ile359fs)

Gene: RDX (radixin; minus strand). Cytogenetic location: 11q22.3.
Variant type: Deletion.
Coding change: c.1076_1079del on transcript NM_002906.4 (MANE Select); coding-DNA positions 1076 to 1079, 4 bases deleted (TTAA; older notation c.1076_1079delTTAA).
Protein change: p.Ile359fs; shifts the reading frame from isoleucine 359.
Molecular consequence: frameshift variant. On other transcripts: intron variant (1).
Genome position (GRCh38, 1-based): chr11:110,247,714-110,247,717, TTAA deleted on the plus strand (TTAA on the coding strand, the reverse complement: RDX is on the minus strand); deleting any 4 consecutive bases within chr11:110,247,714-110,247,719 gives the same sequence; the c. name uses the placement nearest the transcript's 3' end. VCF-style (leftmost placement, unchanged base first): chr11-110247713-TTTAA-T. GRCh37 (hg19) VCF-style: chr11-110118438-TTTAA-T.
Other names: p.(Ile359LysfsTer6); c.1076_1079del, p.Ile359fs (NM_001260492.2, NM_001260493.2); c.668_671del, p.Ile223fs (NM_001260494.2); c.35_38del, p.Ile12fs (NM_001260495.2); c.404+10440_404+10443del (NM_001260496.2); short protein forms I359fs, I12fs, I223fs.
Identifiers: ClinVar variation 2585105 (VCV002585105.3), dbSNP rs779134450, ClinGen allele CA6270147.

ClinVar aggregate classification (germline): Pathogenic/Likely pathogenic. Review status: criteria provided, multiple submitters, no conflicts (2 of 4 stars). 3 submissions from 3 submitters: Pathogenic (1); Likely pathogenic (1). 1 of the submissions does not count toward it. Last evaluated 2025-03-06.

Conditions:
Autosomal recessive nonsyndromic hearing loss 24. Identifiers: Orphanet 90636, MedGen C1970239, MONDO:0012602, OMIM 611022.

Submissions (3):

Labcorp Genetics (formerly Invitae), Labcorp
Classification: Pathogenic. Last evaluated: 2025-03-06. Review status: criteria provided, single submitter. Criteria: Invitae Variant Classification Sherloc (09022015). Collection method: clinical testing. Allele origin: germline.
Comment: This sequence change creates a premature translational stop signal (p.Ile359Lysfs*6) in the RDX gene. It is expected to result in an absent or disrupted protein product. Loss-of-function variants in RDX are known to be pathogenic (PMID: 12068294, 17226784). This variant is present in population databases (rs779134450, gnomAD 0.0009%). This premature translational stop signal has been observed in individual(s) with deafness (PMID: 22567349). ClinVar contains an entry for this variant (Variation ID: 2585105). For these reasons, this variant has been classified as Pathogenic.

Neuberg Centre For Genomic Medicine, NCGM
Classification: Likely pathogenic for Autosomal recessive nonsyndromic hearing loss 24. Review status: criteria provided, single submitter. Criteria: ACMG Guidelines, 2015. Collection method: clinical testing. Allele origin: germline. Inheritance: Autosomal recessive inheritance. Affected: yes.
Comment: The c.1076_1079del (p.Ile359LysfsTer6) frameshift variant in RDX gene has not been reported previously as a pathogenic variant nor as a benign variant, to our knowledge. This variant is reported with the allele frequency (0.0004%) in the gnomAD and novel in 1000 genome database. This variant causes a frameshift starting with codon Isoleucine 359, changes this amino acid to Lysine residue, and creates a premature Stop codon at position 6 of the new reading frame, denoted p.Ile359LysfsTer6. This variant is predicted to cause loss of normal protein function through protein truncation. Loss of function variants have been previously reported to be disease causing. For these reasons, this variant has been classified as Likely Pathogenic.

Dr.Nikuei Genetic Center
Classification: Pathogenic for Autosomal recessive nonsyndromic hearing loss 24. Review status: no assertion criteria provided. Collection method: clinical testing. Allele origin: germline. Affected: yes. Not counted in ClinVar's aggregate classification.

Literature cited by the submitters: PubMed 12068294 (cited by Labcorp Genetics (formerly Invitae), Labcorp); PubMed 17226784 (cited by Labcorp Genetics (formerly Invitae), Labcorp); PubMed 22567349 (cited by Labcorp Genetics (formerly Invitae), Labcorp).